The following is an entry in ClinVar:

NM_006265.3(RAD21):c.786C>T (p.Asp262=)

Gene: RAD21 (RAD21 cohesin complex component; minus strand). Cytogenetic location: 8q24.11.
Variant type: single nucleotide variant.
Coding change: c.786C>T on transcript NM_006265.3 (MANE Select); coding-DNA position 786, C replaced by T.
Protein change: p.Asp262=; no amino-acid change (aspartic acid 262 retained).
Molecular consequence: synonymous variant.
Genome position (GRCh38, 1-based): chr8:116,856,674, G>A on the plus strand (C>T on the coding strand, the complement: RAD21 is on the minus strand). VCF-style: chr8-116856674-G-A. GRCh37 (hg19) VCF-style: chr8-117868913-G-A.
Identifiers: ClinVar variation 473194 (VCV000473194.39), dbSNP rs34653007, ClinGen allele CA4853007.

ClinVar aggregate classification (germline): Benign/Likely benign. Review status: criteria provided, multiple submitters, no conflicts (2 of 4 stars). 5 submissions from 5 submitters: Benign (1); Likely benign (3). 1 of the submissions does not count toward it. Last evaluated 2026-08-01.

Conditions:
RAD21-related disorder. Also called: RAD21-related condition; RAD21- Related disorders.
Inborn genetic diseases. Identifiers: MedGen C0950123, MeSH D030342.
Cornelia de Lange syndrome 4 (CDLS4). Also called: RAD21-Related Cornelia de Lange Syndrome; CORNELIA DE LANGE SYNDROME 4 WITH OR WITHOUT MIDLINE BRAIN DEFECTS. Identifiers: Orphanet 199, MedGen C3553517, MONDO:0013864, OMIM 614701.

Allele frequency attached by ClinVar (database versions not stated): gnomAD exomes 0.00022 and 0.00057; 1000 Genomes Project 30x 0.00078; ExAC 0.00096; 1000 Genomes Project 0.00100; gnomAD 0.00268 and 0.00300; ESP Exome Variant Server 0.00323; TOPMed 0.00329.
gnomAD v4.1: 737 of 1,594,966 alleles (0.046%); highest among the groups gnomAD compares: African/African-American, 0.91%; 4 homozygotes.

Submissions (5):

CeGaT Center for Human Genetics Tuebingen
Classification: Likely benign. Last evaluated: 2026-08-01. Review status: criteria provided, single submitter. Criteria: CeGaT Center For Human Genetics Tuebingen Variant Classification Criteria Version 2. Collection method: clinical testing. Allele origin: germline. Affected: yes. Observed: 5 variant alleles.
Comment: RAD21: BP4, BP7

Labcorp Genetics (formerly Invitae), Labcorp
Classification: Benign for Cornelia de Lange syndrome 4. Last evaluated: 2025-12-16. Review status: criteria provided, single submitter. Criteria: Invitae Variant Classification Sherloc (09022015). Collection method: clinical testing. Allele origin: germline.

GeneDx
Classification: Likely benign. Last evaluated: 2020-07-13. Review status: criteria provided, single submitter. Criteria: GeneDx Variant Classification Process June 2021. Collection method: clinical testing. Allele origin: germline. Affected: yes.

Ambry Genetics
Classification: Likely benign for Inborn genetic diseases. Last evaluated: 2017-05-31. Review status: criteria provided, single submitter. Criteria: Ambry Variant Classification Scheme 2023. Collection method: clinical testing. Allele origin: germline.

PreventionGenetics, part of Exact Sciences
Classification: Likely benign for RAD21-related condition. Last evaluated: 2024-02-18. Review status: no assertion criteria provided. Collection method: clinical testing. Allele origin: germline. Not counted in ClinVar's aggregate classification.
Comment: This variant is classified as likely benign based on ACMG/AMP sequence variant interpretation guidelines (Richards et al. 2015 PMID: 25741868, with internal and published modifications).